The following is an entry in ClinVar:

NM_004168.4(SDHA):c.885C>T (p.Phe295=)

Gene: SDHA (succinate dehydrogenase complex flavoprotein subunit A; plus strand). Cytogenetic location: 5p15.33.
Variant type: single nucleotide variant.
Coding change: c.885C>T on transcript NM_004168.4 (MANE Select); coding-DNA position 885, C replaced by T.
Protein change: p.Phe295=; no amino-acid change (phenylalanine 295 retained).
Molecular consequence: synonymous variant.
Genome position (GRCh38, 1-based): chr5:230,990, C>T. VCF-style: chr5-230990-C-T. GRCh37 (hg19) VCF-style: chr5-231105-C-T.
Other names: c.741C>T, p.Phe247= (NM_001294332.2); c.885C>T, p.Phe295= (NM_001330758.2).
Identifiers: ClinVar variation 1764911 (VCV001764911.3), dbSNP rs762349978, ClinGen allele CA442691529.

ClinVar aggregate classification (germline): Benign/Likely benign. Review status: criteria provided, multiple submitters, no conflicts (2 of 4 stars). 2 submissions from 2 submitters: Benign (1); Likely benign (1). Last evaluated 2025-03-03.

Conditions:
Hereditary cancer-predisposing syndrome. Also called: Hereditary Cancer Syndrome; Hereditary neoplastic syndrome; Neoplastic Syndromes, Hereditary; Tumor predisposition. Identifiers: Orphanet 140162, MedGen C0027672, MeSH D009386, MONDO:0015356.
Pheochromocytoma/paraganglioma syndrome 5. Also called: Paragangliomas 5; SDHA-Related Hereditary Paraganglioma-Pheochromocytoma Syndrome. Identifiers: Orphanet 29072, MedGen C3279992, MONDO:0013602, OMIM 614165.

Submissions (2):

Myriad Genetics, Inc.
Classification: Benign for Pheochromocytoma/paraganglioma syndrome 5. Last evaluated: 2025-03-03. Review status: criteria provided, single submitter. Criteria: Myriad Autosomal Dominant, Autosomal Recessive and X-Linked Classification Criteria (2023). Collection method: clinical testing. Allele origin: unknown.
Comment: This variant is considered benign. This variant is a silent/synonymous amino acid change and it is not expected to impact splicing.

Ambry Genetics
Classification: Likely benign for Hereditary cancer-predisposing syndrome. Last evaluated: 2021-12-23. Review status: criteria provided, single submitter. Criteria: Ambry Variant Classification Scheme 2023. Collection method: clinical testing. Allele origin: germline.